The following is an entry in ClinVar:

ClinVar aggregate classification (germline): Likely benign (1 of 4 stars; one submission).

Allele frequency attached by ClinVar (database versions not stated): ExAC 0.00001; gnomAD 0.00001; gnomAD exomes below 0.00001; TOPMed 0.00001.
gnomAD v4.1: 18 of 1,593,040 alleles (0.0011%); highest among the groups gnomAD compares: Non-Finnish European, 0.0015%; no homozygotes.

Submission:

GeneDx
Classification: Likely benign. Last evaluated: 2017-12-06. Review status: criteria provided, single submitter. Criteria: GeneDx Variant Classification (06012015). Collection method: clinical testing. Allele origin: germline. Affected: yes.
Comment: This variant is considered likely benign or benign based on one or more of the following criteria: it is a conservative change, it occurs at a poorly conserved position in the protein, it is predicted to be benign by multiple in silico algorithms, and/or has population frequency not consistent with disease.

NM_007098.4(CLTCL1):c.795+5G>A

Gene: CLTCL1 (clathrin heavy chain like 1; minus strand). Cytogenetic location: 22q11.21.
Variant type: single nucleotide variant.
Coding change: c.795+5G>A on transcript NM_007098.4 (MANE Select); 5 bases into the intron after coding-DNA position 795, G replaced by A.
Molecular consequence: intron variant.
Genome position (GRCh38, 1-based): chr22:19,239,270, C>T on the plus strand (G>A on the coding strand, the complement: CLTCL1 is on the minus strand). VCF-style: chr22-19239270-C-T. GRCh37 (hg19) VCF-style: chr22-19226793-C-T.
Other names: c.795+5G>A (NM_001835.4).
Identifiers: ClinVar variation 513704 (VCV000513704.1), dbSNP rs782328622, ClinGen allele CA10098908.
Genomic context (GRCh38, chr22:19,239,270, plus strand): 5'-TATCTTGGGAGGTGCTAGAGTAGATTTTAGGACATGAAGATGTTTAGAGAGCAGCACATT[C>T]GTACCTGCATAGCCACTGGAAAATCATTCTGTGCCTCTGGAGGAAAAAACACATCTACTG-3'